The following is an entry in ClinVar:

NM_001394062.1(MACF1):c.19430T>C (p.Met6477Thr)

Gene: MACF1 (microtubule actin crosslinking factor 1; plus strand). Cytogenetic location: 1p34.3.
Variant type: single nucleotide variant.
Coding change: c.19430T>C on transcript NM_001394062.1 (MANE Select); coding-DNA position 19430, T replaced by C.
Protein change: p.Met6477Thr; replaces methionine 6477 with threonine.
Molecular consequence: missense variant.
Genome position (GRCh38, 1-based): chr1:39,443,573, T>C. VCF-style: chr1-39443573-T-C. GRCh37 (hg19) VCF-style: chr1-39909245-T-C.
Other names: c.7508T>C, p.Met2503Thr (NM_001397473.1); c.13253T>C, p.Met4418Thr (NM_012090.5); short protein forms M6477T, M2503T, M4418T.
Identifiers: ClinVar variation 1976820 (VCV001976820.5), dbSNP rs2523185966, ClinGen allele CA339815962.
Genomic context (GRCh38, chr1:39,443,573, plus strand): 5'-CTGCATCTAAGCCCACAGGAGGACTTCCTGAAACTGCTAGGGAACAGCTTGATACACATA[T>C]GGTAATAGCAATTTTTTGAAATTGAGCATAAGCATCCCATATTCACTAGCTCCTTTCCAA-3'
Protein context (NP_001380991.1, residues 6467-6487): ETAREQLDTH[Met6477Thr]ELYSQLKAKE

ClinVar aggregate classification (germline): Uncertain significance (1 of 4 stars; one submission).

Allele frequency attached by ClinVar (database versions not stated): gnomAD exomes below 0.00001.
gnomAD v4.1: 3 of 1,590,278 alleles (0.00019%); highest among the groups gnomAD compares: Non-Finnish European, 0.00026%; no homozygotes.

Submission:

Labcorp Genetics (formerly Invitae), Labcorp
Classification: Uncertain significance. Last evaluated: 2022-02-20. Review status: criteria provided, single submitter. Criteria: Invitae Variant Classification Sherloc (09022015). Collection method: clinical testing. Allele origin: germline.
Comment: This variant is not present in population databases (gnomAD no frequency). In summary, the available evidence is currently insufficient to determine the role of this variant in disease. Therefore, it has been classified as a Variant of Uncertain Significance. Algorithms developed to predict the effect of missense changes on protein structure and function are either unavailable or do not agree on the potential impact of this missense change (SIFT: "Deleterious"; PolyPhen-2: "Possibly Damaging"; Align-GVGD: "Class C0"). This variant has not been reported in the literature in individuals affected with MACF1-related conditions. This sequence change replaces methionine, which is neutral and non-polar, with threonine, which is neutral and polar, at codon 4418 of the MACF1 protein (p.Met4418Thr).